The following is an entry in ClinVar:

NM_000166.6(GJB1):c.241C>G (p.Leu81Val)

Gene: GJB1 (gap junction protein beta 1; plus strand). Cytogenetic location: Xq13.1.
Variant type: single nucleotide variant.
Coding change: c.241C>G on transcript NM_000166.6 (MANE Select); coding-DNA position 241, C replaced by G.
Protein change: p.Leu81Val; replaces leucine 81 with valine.
Molecular consequence: missense variant.
Genome position (GRCh38, 1-based): chrX:71,223,948, C>G. VCF-style: chrX-71223948-C-G. GRCh37 (hg19) VCF-style: chrX-70443798-C-G.
Other names: c.241C>G, p.Leu81Val (NM_001097642.3); short protein forms L81V.
Identifiers: ClinVar variation 234657 (VCV000234657.2), dbSNP rs876661143, ClinGen allele CA10577655.

ClinVar aggregate classification (germline): Likely pathogenic (1 of 4 stars; one submission).

Submission:

GeneDx
Classification: Likely pathogenic. Last evaluated: 2015-12-10. Review status: criteria provided, single submitter. Criteria: GeneDx Variant Classification (06012015). Collection method: clinical testing. Allele origin: germline. Affected: yes.
Comment: The L81V variant in the GJB1 gene has not been reported previously as a pathogenic variant, nor as abenign variant, to our knowledge. The L81V variant was not observed in approximately 6,500individuals of European and African American ancestry in the NHLBI Exome Sequencing Project,indicating it is not a common benign variant in these populations. The L81V variant is a conservativeamino acid substitution, which is not likely to impact secondary protein structure as these residuesshare similar properties. This substitution occurs at a position that is conserved across species. In silicoanalysis predicts this variant is probably damaging to the protein structure/function. Missense variantsin the same and nearby residues (Q80K, L81F, I82M, L83P, V84I, S85F) have been reported in theHuman Gene Mutation Database in association with Charcot-Marie-Tooth disease (Stenson et al.,2014), supporting the functional importance of this region of the protein. The L81V variant is astrong candidate for a pathogenic variant, however the possibility it may be a rare benign variant cannot be excluded.